The following is an entry in ClinVar:

NM_015141.4(GPD1L):c.524A>G (p.Asn175Ser)

Gene: GPD1L (glycerol-3-phosphate dehydrogenase 1 like; plus strand). Cytogenetic location: 3p22.3.
Variant type: single nucleotide variant.
Coding change: c.524A>G on transcript NM_015141.4 (MANE Select); coding-DNA position 524, A replaced by G.
Protein change: p.Asn175Ser; replaces asparagine 175 with serine.
Molecular consequence: missense variant.
Genome position (GRCh38, 1-based): chr3:32,146,640, A>G. VCF-style: chr3-32146640-A-G. GRCh37 (hg19) VCF-style: chr3-32188132-A-G.
Other names: short protein forms N175S.
Identifiers: ClinVar variation 4739049 (VCV004739049.1).

ClinVar aggregate classification (germline): Uncertain significance (1 of 4 stars; one submission).

Conditions:
Brugada syndrome. Also called: Sudden unexplained nocturnal death syndrome; Sudden unexpected nocturnal death syndrome; Sudden Unexplained Death Syndrome; Sudden Unexplained Nocturnal Death Syndrome (SUNDS). Identifiers: Orphanet 130, MedGen C1142166, MONDO:0015263.

gnomAD v4.1: 15 of 1,610,356 alleles (0.00093%); highest among the groups gnomAD compares: Non-Finnish European, 0.0012%; no homozygotes.

Submission:

Labcorp Genetics (formerly Invitae), Labcorp
Classification: Uncertain significance for Brugada syndrome. Last evaluated: 2025-06-15. Review status: criteria provided, single submitter. Criteria: Invitae Variant Classification Sherloc (09022015). Collection method: clinical testing. Allele origin: germline.
Comment: This sequence change replaces asparagine, which is neutral and polar, with serine, which is neutral and polar, at codon 175 of the GPD1L protein (p.Asn175Ser). This variant is present in population databases (rs752629009, gnomAD 0.007%). This variant has not been reported in the literature in individuals affected with GPD1L-related conditions. Invitae Evidence Modeling of protein sequence and biophysical properties (such as structural, functional, and spatial information, amino acid conservation, physicochemical variation, residue mobility, and thermodynamic stability) indicates that this missense variant is not expected to disrupt GPD1L protein function with a negative predictive value of 80%. In summary, the available evidence is currently insufficient to determine the role of this variant in disease. Therefore, it has been classified as a Variant of Uncertain Significance.